The following is an entry in ClinVar:

NM_001374736.1(DST):c.20684G>A (p.Arg6895Gln)

Gene: DST (dystonin; minus strand). Cytogenetic location: 6p12.1.
Variant type: single nucleotide variant.
Coding change: c.20684G>A on transcript NM_001374736.1 (MANE Select); coding-DNA position 20684, G replaced by A.
Protein change: p.Arg6895Gln; replaces arginine 6895 with glutamine.
Molecular consequence: missense variant.
Genome position (GRCh38, 1-based): chr6:56,492,300, C>T on the plus strand (G>A on the coding strand, the complement: DST is on the minus strand). VCF-style: chr6-56492300-C-T. GRCh37 (hg19) VCF-style: chr6-56357098-C-T.
Other names: c.14327G>A, p.Arg4776Gln (NM_001144769.5); c.13913G>A, p.Arg4638Gln (NM_001144770.2); c.20684G>A, p.Arg6895Gln (NM_001374722.1); c.19724G>A, p.Arg6575Gln (NM_001374729.1); c.13466G>A, p.Arg4489Gln (NM_001374730.1); c.20711G>A, p.Arg6904Gln (NM_001374734.1); c.13793G>A, p.Arg4598Gln (NM_001386100.1, NM_183380.4); c.12815G>A, p.Arg4272Gln (NM_015548.5); short protein forms R4272Q, R4489Q, R6575Q, R4638Q, R4776Q, R6904Q, R4598Q, R6895Q.
Identifiers: ClinVar variation 1037801 (VCV001037801.7), dbSNP rs371273718, ClinGen allele CA3866697.

ClinVar aggregate classification (germline): Uncertain significance (1 of 4 stars; one submission).

Conditions:
Hereditary sensory and autonomic neuropathy type 6. Also called: Neuropathy, hereditary sensory and autonomic, type VI; HSAN VI. Identifiers: Orphanet 314381, MedGen C3539003, MONDO:0013839, OMIM 614653.
Epidermolysis bullosa simplex 3, localized or generalized intermediate, with BP230 deficiency (EBS3). Also called: Epidermolysis bullosa simplex, autosomal recessive 2; Epidermolysis bullosa simplex due to BP230 deficiency. Identifiers: Orphanet 412181, MedGen C3809470, MONDO:0014180, OMIM 615425.

gnomAD v4.1: 11 of 1,613,728 alleles (0.00068%); highest among the groups gnomAD compares: South Asian, 0.0077%; no homozygotes.

Submission:

Labcorp Genetics (formerly Invitae), Labcorp
Classification: Uncertain significance for Epidermolysis bullosa simplex 3, localized or generalized intermediate, with BP230 deficiency; Hereditary sensory and autonomic neuropathy type 6. Last evaluated: 2020-09-20. Review status: criteria provided, single submitter. Criteria: Invitae Variant Classification Sherloc (09022015). Collection method: clinical testing. Allele origin: germline.
Comment: In summary, the available evidence is currently insufficient to determine the role of this variant in disease. Therefore, it has been classified as a Variant of Uncertain Significance. Experimental studies and prediction algorithms are not available or were not evaluated, and the functional significance of this variant is currently unknown. This variant has not been reported in the literature in individuals with DST-related conditions. This variant is present in population databases (rs371273718, ExAC 0.02%). This sequence change replaces arginine with glutamine at codon 4272 of the DST protein (p.Arg4272Gln). The arginine residue is highly conserved and there is a small physicochemical difference between the two amino acids. The DST gene has multiple clinically relevant transcripts. This variant occurs in alternate transcript NM_015548.4, and corresponds to NM_001723.5:c.*123217G>A in the primary transcript.